The following is an entry in ClinVar:

ClinVar aggregate classification (germline): Pathogenic (1 of 4 stars; one submission).

Conditions:
Familial adenomatous polyposis 1 (FAP1). Also called: FAMILIAL ADENOMATOUS POLYPOSIS 1, ATTENUATED; POLYPOSIS, ADENOMATOUS INTESTINAL. Identifiers: MedGen C2713442, MONDO:0021056, OMIM 175100. Disease mechanism: loss of function.

Submission:

Myriad Genetics, Inc.
Classification: Pathogenic for Familial adenomatous polyposis 1. Last evaluated: 2023-05-09. Review status: criteria provided, single submitter. Criteria: Myriad Autosomal Dominant, Autosomal Recessive and X-Linked Classification Criteria (2023). Collection method: clinical testing. Allele origin: unknown.
Comment: This variant is considered pathogenic. This variant creates a frameshift predicted to result in premature protein truncation.

NM_000038.6(APC):c.3819_3823dup (p.Ser1275fs)

Gene: APC (APC regulator of Wnt signaling pathway; plus strand). Cytogenetic location: 5q22.2.
Variant type: Duplication.
Coding change: c.3819_3823dup on transcript NM_000038.6 (MANE Select); coding-DNA positions 3819 to 3823, 5 bases duplicated (ATGTA; older notation c.3819_3823dupATGTA).
Protein change: p.Ser1275fs; shifts the reading frame from serine 1275.
Molecular consequence: frameshift variant. On other transcripts: non-coding transcript variant (2).
Genome position (GRCh38, 1-based): chr5:112,839,413-112,839,417, ATGTA duplicated. VCF-style (leftmost placement, unchanged base first): chr5-112839412-G-GATGTA. GRCh37 (hg19) VCF-style: chr5-112175109-G-GATGTA.
Other names: c.3819_3823dup, p.Ser1275fs (NM_001127510.3, NM_001354895.2, NM_001407450.1); c.3765_3769dup, p.Ser1257fs (NM_001127511.3); c.3873_3877dup, p.Ser1293fs (NM_001354896.2, NM_001407447.1, NM_001407448.1 and 1 more transcripts); c.3849_3853dup, p.Ser1285fs (NM_001354897.2); c.3744_3748dup, p.Ser1250fs (NM_001354898.2); c.3735_3739dup, p.Ser1247fs (NM_001354899.2); c.3696_3700dup, p.Ser1234fs (NM_001354900.2); c.3642_3646dup, p.Ser1216fs (NM_001354901.2, NM_001407453.1); and 11 more; short protein forms S1115fs, S1146fs, S1149fs, S1174fs, S1184fs, S1192fs, S1216fs, S1234fs.
Identifiers: ClinVar variation 2583873 (VCV002583873.1), dbSNP rs2533526985, ClinGen allele CA2582341538.